The following is an entry in ClinVar:

NM_001018115.3(FANCD2):c.976A>G (p.Lys326Glu)

Genes: FANCD2 (FA complementation group D2; plus strand), LOC107303338 (3p25 FANCD2 Alu-mediated recombination region; plus strand). Cytogenetic location: 3p25.3.
Variant type: single nucleotide variant.
Coding change: c.976A>G on transcript NM_001018115.3 (MANE Select); coding-DNA position 976, A replaced by G.
Protein change: p.Lys326Glu; replaces lysine 326 with glutamic acid.
Molecular consequence: missense variant.
Genome position (GRCh38, 1-based): chr3:10,043,137, A>G. VCF-style: chr3-10043137-A-G. GRCh37 (hg19) VCF-style: chr3-10084821-A-G.
Other names: c.976A>G, p.Lys326Glu (NM_001319984.2, NM_001374253.1, NM_001374254.1 and 1 more transcripts); short protein forms K326E.
Identifiers: ClinVar variation 842492 (VCV000842492.11), dbSNP rs183778817, ClinGen allele CA2249422.

ClinVar aggregate classification (germline): Uncertain significance. Review status: criteria provided, multiple submitters, no conflicts (2 of 4 stars). 4 submissions from 4 submitters: Uncertain significance (4). Last evaluated 2024-10-24.

Conditions:
Fanconi anemia complementation group D2. Also called: FANCONI PANCYTOPENIA, TYPE 4; FANCONI ANEMIA, COMPLEMENTATION GROUP D; FANCD2-Related Fanconi Anemia. Identifiers: Orphanet 84, MedGen C3160738, MONDO:0009214, OMIM 227646.
Fanconi anemia (FA). Also called: Fanconi's anemia. Identifiers: Orphanet 84, MedGen C0015625, MeSH D005199, MONDO:0019391.

Allele frequency attached by ClinVar (database versions not stated): gnomAD 0.00001 and 0.00004; gnomAD exomes 0.00002 and 0.00008; TOPMed 0.00002; ExAC 0.00007; 1000 Genomes Project 30x 0.00016; 1000 Genomes Project 0.00020.
gnomAD v4.1: 41 of 1,614,060 alleles (0.0025%); highest among the groups gnomAD compares: South Asian, 0.025%; no homozygotes.

Submissions (4):

Labcorp Genetics (formerly Invitae), Labcorp
Classification: Uncertain significance for Fanconi anemia. Last evaluated: 2024-10-24. Review status: criteria provided, single submitter. Criteria: Invitae Variant Classification Sherloc (09022015). Collection method: clinical testing. Allele origin: germline.
Comment: This sequence change replaces lysine, which is basic and polar, with glutamic acid, which is acidic and polar, at codon 326 of the FANCD2 protein (p.Lys326Glu). This variant is present in population databases (rs183778817, gnomAD 0.03%). This variant has not been reported in the literature in individuals affected with FANCD2-related conditions. ClinVar contains an entry for this variant (Variation ID: 842492). An algorithm developed to predict the effect of missense changes on protein structure and function (PolyPhen-2) suggests that this variant¬†is likely to be tolerated. In summary, the available evidence is currently insufficient to determine the role of this variant in disease. Therefore, it has been classified as a Variant of Uncertain Significance.

Blueprint Genetics
Classification: Uncertain significance. Last evaluated: 2024-10-08. Review status: criteria provided, single submitter. Criteria: ACMG Guidelines, 2015. Collection method: clinical testing. Allele origin: germline.

Fulgent Genetics
Classification: Uncertain significance for Fanconi anemia complementation group D2. Last evaluated: 2024-01-10. Review status: criteria provided, single submitter. Criteria: ACMG Guidelines, 2015. Collection method: clinical testing. Allele origin: germline.

GeneDx
Classification: Uncertain significance. Last evaluated: 2020-07-23. Review status: criteria provided, single submitter. Criteria: GeneDx Variant Classification Process June 2021. Collection method: clinical testing. Allele origin: germline. Affected: yes.
Comment: In silico analysis supports that this missense variant does not alter protein structure/function; Has not been previously published as pathogenic or benign to our knowledge